The following is an entry in ClinVar:

ClinVar aggregate classification (germline): Uncertain significance (1 of 4 stars; one submission).

Conditions:
Infantile-onset ascending hereditary spastic paralysis (IAHSP). Also called: Infantile-Onset Ascending Hereditary Spastic Paralysis (IAHSP); Autosomal Recessive Juvenile Amyotrophic Lateral Sclerosis. Identifiers: Orphanet 293168, MedGen C2931441, MONDO:0011797, OMIM 607225. Disease mechanism: loss of function.

Submission:

Labcorp Genetics (formerly Invitae), Labcorp
Classification: Uncertain significance for Infantile-onset ascending hereditary spastic paralysis. Last evaluated: 2022-08-07. Review status: criteria provided, single submitter. Criteria: Invitae Variant Classification Sherloc (09022015). Collection method: clinical testing. Allele origin: germline.
Comment: In summary, the available evidence is currently insufficient to determine the role of this variant in disease. Therefore, it has been classified as a Variant of Uncertain Significance. Algorithms developed to predict the effect of missense changes on protein structure and function (SIFT, PolyPhen-2, Align-GVGD) all suggest that this variant is likely to be tolerated. This variant has not been reported in the literature in individuals affected with ALS2-related conditions. This variant is not present in population databases (gnomAD no frequency). This sequence change replaces aspartic acid, which is acidic and polar, with asparagine, which is neutral and polar, at codon 1046 of the ALS2 protein (p.Asp1046Asn).

NM_020919.4(ALS2):c.3136G>A (p.Asp1046Asn)

Gene: ALS2 (alsin Rho guanine nucleotide exchange factor ALS2; minus strand). Cytogenetic location: 2q33.1.
Variant type: single nucleotide variant.
Coding change: c.3136G>A on transcript NM_020919.4 (MANE Select); coding-DNA position 3136, G replaced by A.
Protein change: p.Asp1046Asn; replaces aspartic acid 1046 with asparagine.
Molecular consequence: missense variant.
Genome position (GRCh38, 1-based): chr2:201,726,710, C>T on the plus strand (G>A on the coding strand, the complement: ALS2 is on the minus strand). VCF-style: chr2-201726710-C-T. GRCh37 (hg19) VCF-style: chr2-202591433-C-T.
Other names: c.3136G>A, p.Asp1046Asn (NM_001410975.1); short protein forms D1046N.
Identifiers: ClinVar variation 1946494 (VCV001946494.5), dbSNP rs2469774238, ClinGen allele CA350321101.